The following is an entry in ClinVar:

ClinVar aggregate classification (germline): Uncertain significance (1 of 4 stars; one submission).

Conditions:
Familial hemophagocytic lymphohistiocytosis 3 (FHL3). Also called: UNC13D-Related Familial Hemophagocytic Lymphohistiocytosis (UNC13D-fHLH). Identifiers: Orphanet 540, MedGen C1837174, MONDO:0012146, OMIM 608898.

Allele frequency attached by ClinVar (database versions not stated): gnomAD 0.00003 and 0.00004; gnomAD exomes 0.00003 and 0.00004; TOPMed 0.00003; ExAC 0.00006; ESP Exome Variant Server 0.00008.
gnomAD v4.1: 60 of 1,613,650 alleles (0.0037%); highest among the groups gnomAD compares: Non-Finnish European, 0.0047%; no homozygotes.

Submission:

Labcorp Genetics (formerly Invitae), Labcorp
Classification: Uncertain significance for Familial hemophagocytic lymphohistiocytosis 3. Last evaluated: 2025-04-20. Review status: criteria provided, single submitter. Criteria: Invitae Variant Classification Sherloc (09022015). Collection method: clinical testing. Allele origin: germline.
Comment: This sequence change replaces threonine, which is neutral and polar, with asparagine, which is neutral and polar, at codon 321 of the UNC13D protein (p.Thr321Asn). This variant is present in population databases (rs372716881, gnomAD 0.007%). This variant has not been reported in the literature in individuals affected with UNC13D-related conditions. ClinVar contains an entry for this variant (Variation ID: 941745). Invitae Evidence Modeling of protein sequence and biophysical properties (such as structural, functional, and spatial information, amino acid conservation, physicochemical variation, residue mobility, and thermodynamic stability) indicates that this missense variant is not expected to disrupt UNC13D protein function with a negative predictive value of 80%. In summary, the available evidence is currently insufficient to determine the role of this variant in disease. Therefore, it has been classified as a Variant of Uncertain Significance.

NM_199242.3(UNC13D):c.962C>A (p.Thr321Asn)

Gene: UNC13D (unc-13 homolog D; minus strand). Cytogenetic location: 17q25.1.
Variant type: single nucleotide variant.
Coding change: c.962C>A on transcript NM_199242.3 (MANE Select); coding-DNA position 962, C replaced by A.
Protein change: p.Thr321Asn; replaces threonine 321 with asparagine.
Molecular consequence: missense variant.
Genome position (GRCh38, 1-based): chr17:75,839,932, G>T on the plus strand (C>A on the coding strand, the complement: UNC13D is on the minus strand). VCF-style: chr17-75839932-G-T. GRCh37 (hg19) VCF-style: chr17-73836013-G-T.
Other names: short protein forms T321N.
Identifiers: ClinVar variation 941745 (VCV000941745.9), dbSNP rs372716881, ClinGen allele CA8773180.